The following is an entry in ClinVar:

ClinVar aggregate classification (germline): Conflicting classifications of pathogenicity. Review status: criteria provided, conflicting classifications (1 of 4 stars). 16 submissions from 15 submitters: Uncertain significance (12); Likely benign (3). 1 of the submissions does not count toward it. Last evaluated 2026-01-19.

Conditions:
Familial cancer of breast. Also called: BREAST CANCER, FAMILIAL; hereditary breast carcinoma; Hereditary breast cancer. Identifiers: Orphanet 227535, MedGen C0346153, MONDO:0016419, OMIM 114480. Disease mechanism: loss of function.
Fanconi anemia complementation group D1. Also called: BRCA2-Related Fanconi Anemia. Identifiers: Orphanet 319462, MedGen C1838457, MONDO:0011584, OMIM 605724.
Medulloblastoma (MDB). Also called: Medulloblastoma, somatic; MEDULLOBLASTOMA PREDISPOSITION SYNDROME. Identifiers: Orphanet 616, MedGen C0025149, MeSH D008527, MONDO:0007959, OMIM 155255, HP:0002885.
Breast-ovarian cancer, familial, susceptibility to, 2 (BROVCA2). Also called: BRCA2 Hereditary Breast and Ovarian Cancer. Identifiers: Orphanet 145, MedGen C2675520, MONDO:0012933, OMIM 612555. Disease mechanism: loss of function.
Wilms tumor 1 (WT1). Also called: Wilms tumor, somatic. Identifiers: Orphanet 654, MedGen CN033288, MONDO:0008679, OMIM 194070.
Glioma susceptibility 3 (GLM3). Also called: Glioblastoma 3. Identifiers: Orphanet 182067, Orphanet 360, MedGen C2751641, MONDO:0013093, OMIM 613029.
Pancreatic cancer, susceptibility to, 2. Identifiers: Orphanet 1333, MedGen C3150546, MONDO:0013235, OMIM 613347.
Familial prostate cancer. Also called: Hereditary Prostate Cancer. Identifiers: MedGen C2931456, MONDO:0700275, OMIM 176807.
BRCA2-related disorder. Also called: BRCA2-related condition; BRCA2-related disorders. Identifiers: MedGen CN239275.
Hereditary cancer-predisposing syndrome. Also called: Neoplastic Syndromes, Hereditary; Hereditary neoplastic syndrome; Hereditary Cancer Syndrome; Tumor predisposition. Identifiers: Orphanet 140162, MedGen C0027672, MeSH D009386, MONDO:0015356.
Hereditary breast ovarian cancer syndrome. Also called: Breast and ovarian cancer; Hereditary breast and/or ovarian cancer syndrome; Hereditary breast and ovarian cancer syndrome; Hereditary breast and ovarian cancer syndrome (HBOC); Hereditary breast and ovarian cancer; BRCA1- and BRCA2-Associated Hereditary Breast and Ovarian Cancer. Identifiers: Orphanet 145, MedGen C0677776, MeSH D061325, MONDO:0003582. Disease mechanism: loss of function.

gnomAD v4.1: 4 of 1,613,636 alleles (0.00025%); highest among the groups gnomAD compares: Non-Finnish European, 0.00034%; no homozygotes.

Submissions (16):

Labcorp Genetics (formerly Invitae), Labcorp
Classification: Likely benign for Hereditary breast ovarian cancer syndrome. Last evaluated: 2026-01-19. Review status: criteria provided, single submitter. Criteria: Invitae Variant Classification Sherloc (09022015). Collection method: clinical testing. Allele origin: germline.

Women's Health and Genetics/Laboratory Corporation of America, LabCorp
Classification: Uncertain significance. Last evaluated: 2025-08-28. Review status: criteria provided, single submitter. Criteria: LabCorp Variant Classification Summary - May 2015. Collection method: clinical testing. Allele origin: germline.
Comment: Variant summary: BRCA2 c.8825C>T (p.Ala2942Val) results in a non-conservative amino acid change located in the Nucleic acid-binding, OB-fold (IPR012340) of the encoded protein sequence. Algorithms developed to predict the effect of missense changes on protein structure and function are either unavailable or do not agree on the potential impact of this missense change. The variant was absent in 250828 control chromosomes. The available data on variant occurrences in the general population are insufficient to allow any conclusion about variant significance. c.8825C>T has been reported in the literature in individuals affected with colorectal cancer, breast cancer or acute myeloid leukemia (examples: Peariman_2019, Kwong_2020, Nie_2021). These reports do not provide unequivocal conclusions about association of the variant with Hereditary Breast And Ovarian Cancer Syndrome. At least one co-occurrence with another pathogenic variant has been reported (MSH6 c.2194C>T, p.R732X), providing supporting evidence for a benign role (Peariman_2019). To our knowledge, no experimental evidence demonstrating an impact on protein function has been reported. The following publications have been ascertained in the context of this evaluation (PMID: 32068069, 34741701, 30877237, 34250417). ClinVar contains an entry for this variant (Variation ID: 141807). Based on the evidence outlined above, the variant was classified as uncertain significance.

Ambry Genetics
Classification: Likely benign for Hereditary cancer-predisposing syndrome. Last evaluated: 2025-05-14. Review status: criteria provided, single submitter. Criteria: Ambry Variant Classification Scheme 2023. Collection method: clinical testing. Allele origin: germline.

Color Diagnostics, LLC DBA Color Health
Classification: Likely benign for Hereditary cancer-predisposing syndrome. Last evaluated: 2024-10-01. Review status: criteria provided, single submitter. Criteria: ACMG Guidelines, 2015. Collection method: clinical testing. Allele origin: germline.

St. Jude Molecular Pathology, St. Jude Children's Research Hospital
Classification: Uncertain significance for Breast-ovarian cancer, familial, susceptibility to, 2. Last evaluated: 2024-07-08. Review status: criteria provided, single submitter. Criteria: St. Jude Assertion Criteria 2020. Collection method: clinical testing. Allele origin: germline.
Comment: The BRCA2 c.8825C>T (p.Ala2942Val) missense change is absent in gnomAD v2.1.1. The in silico tool REVEL predicts a benign effect on protein function, but to our knowledge this prediction has not been confirmed by functional studies. To our knowledge, this variant has not been reported as pathogenic in individuals with BRCA2-related disease. In summary, the evidence currently available is insufficient to determine the clinical significance of this variant. It has therefore been classified as of uncertain significance.

Baylor Genetics
Classification: Uncertain significance for Familial cancer of breast. Last evaluated: 2024-02-28. Review status: criteria provided, single submitter. Criteria: ACMG Guidelines, 2015. Collection method: clinical testing. Allele origin: unknown.

Fulgent Genetics
Classification: Uncertain significance for Familial cancer of breast; Medulloblastoma; Familial prostate cancer; Wilms tumor 1; Fanconi anemia complementation group D1; Breast-ovarian cancer, familial, susceptibility to, 2; Glioma susceptibility 3; Pancreatic cancer, susceptibility to, 2. Last evaluated: 2024-02-07. Review status: criteria provided, single submitter. Criteria: ACMG Guidelines, 2015. Collection method: clinical testing. Allele origin: germline.

All of Us Research Program, National Institutes of Health
Classification: Uncertain significance for Breast-ovarian cancer, familial, susceptibility to, 2. Last evaluated: 2024-02-05. Review status: criteria provided, single submitter. Criteria: ACMG Guidelines, 2015. Collection method: clinical testing. Allele origin: germline. Inheritance: Autosomal dominant inheritance. Observed: 5 variant alleles, 5 heterozygotes.
Comment: This missense variant replaces alanine with valine at codon 2942 of the BRCA2 protein. Computational prediction suggests that this variant may not impact protein structure and function (internally defined REVEL score threshold <= 0.5, PMID: 27666373). To our knowledge, functional studies have not been reported for this variant. This variant has been reported in individuals affected with breast or ovarian cancer, and leukemia (PMID: 32068069, 34741701). This variant has been identified in 1/30956 chromosomes in the general population by the Genome Aggregation Database (gnomAD). The available evidence is insufficient to determine the role of this variant in disease conclusively. Therefore, this variant is classified as a Variant of Uncertain Significance.

This study involves interpretation of variants in research participants for the purpose of population health screening. Participant phenotype was not available at the time of variant classification. Additional details can be found in publication PMID: 35346344, PMCID: PMC8962531

GeneDx
Classification: Uncertain significance. Last evaluated: 2023-09-06. Review status: criteria provided, single submitter. Criteria: GeneDx Variant Classification Process June 2021. Collection method: clinical testing. Allele origin: germline. Affected: yes.
Comment: Not observed at significant frequency in large population cohorts (gnomAD); In silico analysis supports that this missense variant does not alter protein structure/function; Also known as 9053C>T; This variant is associated with the following publications: (PMID: 34741701, 29884841, 12228710, 30877237, 32377563, 32068069, 34250417)

Quest Diagnostics Nichols Institute San Juan Capistrano
Classification: Uncertain significance. Last evaluated: 2022-11-03. Review status: criteria provided, single submitter. Criteria: Quest Diagnostics criteria. Collection method: clinical testing. Allele origin: unknown.
Comment: The frequency of this variant in the general population, 0.0000066 (1/152080 chromosomes), is uninformative in assessment of its pathogenicity. In the published literature, the variant has been reported in an individual affected with breast/ovarian cancer (PMID: 32068069 (2020)). Analysis of this variant using bioinformatics tools for the prediction of the effect of amino acid changes on protein structure and function yielded conflicting predictions that this variant is benign or damaging. Based on the available information, we are unable to determine the clinical significance of this variant.

PreventionGenetics, part of Exact Sciences
Classification: Uncertain significance for BRCA2-related condition. Last evaluated: 2022-10-25. Review status: criteria provided, single submitter. Criteria: ACMG Guidelines, 2015. Collection method: clinical testing. Allele origin: germline.
Comment: The BRCA2 c.8825C>T variant is predicted to result in the amino acid substitution p.Ala2942Val. To our knowledge, this variant has not been reported in literature. This variant is not present in a large population database, and is interpreted as a variant of uncertain significance in ClinVar. At this time, the clinical significance of this variant is uncertain due to the absence of conclusive functional and genetic evidence.

Sema4
Classification: Uncertain significance for Hereditary cancer-predisposing syndrome. Last evaluated: 2021-09-07. Review status: criteria provided, single submitter. Criteria: Sema4 Curation Guidelines. Collection method: curation. Allele origin: germline.
Comment: To the best of our knowledge, the BRCA2 c.8825C>T (p.A2942V) variant has not been reported in individuals with BRCA2-related disease. It was not observed in the large and broad cohorts of the Genome Aggregation Database. The variant has been reported in ClinVar (Variation ID 141807). Functional studies have not been performed, and in silico predictions of the variant's effect on protein function are inconclusive. The evidence is insufficient to meet ACMG/AMP criteria for classifying the variant as benign or pathogenic. Thus, the clinical significance of this variant is currently uncertain.

Institute for Biomarker Research, Medical Diagnostic Laboratories, L.L.C.
Classification: Uncertain significance for Hereditary cancer-predisposing syndrome. Last evaluated: 2018-05-23. Review status: criteria provided, single submitter. Criteria: ACMG Guidelines, 2015. Collection method: clinical testing. Allele origin: germline.

Illumina Laboratory Services, Illumina
Classification: Uncertain significance for Breast-ovarian cancer, familial, susceptibility to, 2. Last evaluated: 2018-01-12. Review status: criteria provided, single submitter. Criteria: ICSL Variant Classification Criteria 13 December 2019. Collection method: clinical testing. Allele origin: germline.

Illumina Laboratory Services, Illumina
Classification: Uncertain significance for Fanconi anemia complementation group D1. Last evaluated: 2018-01-12. Review status: criteria provided, single submitter. Criteria: ICSL Variant Classification Criteria 13 December 2019. Collection method: clinical testing. Allele origin: germline.

Counsyl
Classification: Uncertain significance for Breast-ovarian cancer, familial, susceptibility to, 2. Last evaluated: 2016-08-02. Review status: no assertion criteria provided. Collection method: clinical testing. Allele origin: unknown. Not counted in ClinVar's aggregate classification.

Literature cited by the submitters: PubMed 30877237 (cited by Women's Health and Genetics/Laboratory Corporation of America, LabCorp); PubMed 32068069 (cited by 3 submitters); PubMed 34250417 (cited by Women's Health and Genetics/Laboratory Corporation of America, LabCorp); PubMed 34741701 (cited by Women's Health and Genetics/Laboratory Corporation of America, LabCorp and All of Us Research Program, National Institutes of Health); PubMed 31853058 (cited by Quest Diagnostics Nichols Institute San Juan Capistrano); PubMed 32256484 (cited by Quest Diagnostics Nichols Institute San Juan Capistrano).

NM_000059.4(BRCA2):c.8825C>T (p.Ala2942Val)

Gene: BRCA2 (BRCA2 DNA repair associated; plus strand). Cytogenetic location: 13q13.1.
Variant type: single nucleotide variant.
Coding change: c.8825C>T on transcript NM_000059.4 (MANE Select); coding-DNA position 8825, C replaced by T.
Protein change: p.Ala2942Val; replaces alanine 2942 with valine.
Molecular consequence: missense variant.
Genome position (GRCh38, 1-based): chr13:32,379,387, C>T. VCF-style: chr13-32379387-C-T. GRCh37 (hg19) VCF-style: chr13-32953524-C-T.
Other names: short protein forms A2942V.
Identifiers: ClinVar variation 141807 (VCV000141807.43), dbSNP rs373227180, ClinGen allele CA025840.